The following is an entry in ClinVar:

NM_007194.4(CHEK2):c.896T>C (p.Ile299Thr)

Gene: CHEK2 (checkpoint kinase 2; minus strand). Cytogenetic location: 22q12.1.
Variant type: single nucleotide variant.
Coding change: c.896T>C on transcript NM_007194.4 (MANE Select); coding-DNA position 896, T replaced by C.
Protein change: p.Ile299Thr; replaces isoleucine 299 with threonine.
Molecular consequence: missense variant.
Genome position (GRCh38, 1-based): chr22:28,703,517, A>G on the plus strand (T>C on the coding strand, the complement: CHEK2 is on the minus strand). VCF-style: chr22-28703517-A-G. GRCh37 (hg19) VCF-style: chr22-29099505-A-G.
Other names: c.1025T>C, p.Ile342Thr (NM_001005735.3); c.233T>C, p.Ile78Thr (NM_001257387.3); c.695T>C, p.Ile232Thr (NM_001349956.3); c.896T>C, p.Ile299Thr (NM_145862.3); short protein forms I299T, I342T, I78T, I232T.
Identifiers: ClinVar variation 491652 (VCV000491652.15), dbSNP rs876659870, ClinGen allele CA411100986.

ClinVar aggregate classification (germline): Uncertain significance. Review status: criteria provided, multiple submitters, no conflicts (2 of 4 stars). 4 submissions from 4 submitters: Uncertain significance (4). Last evaluated 2025-09-02.

Conditions:
Hereditary cancer-predisposing syndrome. Also called: Hereditary neoplastic syndrome; Tumor predisposition; Hereditary Cancer Syndrome; Neoplastic Syndromes, Hereditary. Identifiers: Orphanet 140162, MedGen C0027672, MeSH D009386, MONDO:0015356.
Familial cancer of breast. Also called: Hereditary breast cancer; hereditary breast carcinoma; BREAST CANCER, FAMILIAL. Identifiers: Orphanet 227535, MedGen C0346153, MONDO:0016419, OMIM 114480. Disease mechanism: loss of function.

Allele frequency attached by ClinVar (database versions not stated): gnomAD exomes below 0.00001.
gnomAD v4.1: 2 of 1,501,996 alleles (0.00013%); highest among the groups gnomAD compares: South Asian, 0.0023%; no homozygotes.

Submissions (4):

Labcorp Genetics (formerly Invitae), Labcorp
Classification: Uncertain significance for Familial cancer of breast. Last evaluated: 2025-09-02. Review status: criteria provided, single submitter. Criteria: Invitae Variant Classification Sherloc (09022015). Collection method: clinical testing. Allele origin: germline.
Comment: This sequence change replaces isoleucine, which is neutral and non-polar, with threonine, which is neutral and polar, at codon 299 of the CHEK2 protein (p.Ile299Thr). This variant is not present in population databases (gnomAD no frequency). This variant has not been reported in the literature in individuals affected with CHEK2-related conditions. ClinVar contains an entry for this variant (Variation ID: 491652). An algorithm developed to predict the effect of missense changes on protein structure and function (PolyPhen-2) suggests that this variant is likely to be disruptive. In summary, the available evidence is currently insufficient to determine the role of this variant in disease. Therefore, it has been classified as a Variant of Uncertain Significance.

Color Diagnostics, LLC DBA Color Health
Classification: Uncertain significance for Hereditary cancer-predisposing syndrome. Last evaluated: 2024-03-06. Review status: criteria provided, single submitter. Criteria: ACMG Guidelines, 2015. Collection method: clinical testing. Allele origin: germline.
Comment: This missense variant replaces isoleucine with threonine at codon 299 of the CHEK2 protein. Computational prediction suggests that this variant may have deleterious impact on protein structure and function (internally defined REVEL score threshold >= 0.7, PMID: 27666373). To our knowledge, functional studies have not been reported for this variant. This variant has not been reported in individuals affected with CHEK2-related disorders in the literature. This variant has not been identified in the general population by the Genome Aggregation Database (gnomAD). The available evidence is insufficient to determine the role of this variant in disease conclusively. Therefore, this variant is classified as a Variant of Uncertain Significance.

Baylor Genetics
Classification: Uncertain significance for Familial cancer of breast. Last evaluated: 2024-01-08. Review status: criteria provided, single submitter. Criteria: ACMG Guidelines, 2015. Collection method: clinical testing. Allele origin: unknown.

Ambry Genetics
Classification: Uncertain significance for Hereditary cancer-predisposing syndrome. Last evaluated: 2023-12-29. Review status: criteria provided, single submitter. Criteria: Ambry Variant Classification Scheme 2023. Collection method: clinical testing. Allele origin: germline.
Comment: The p.I299T variant (also known as c.896T>C), located in coding exon 7 of the CHEK2 gene, results from a T to C substitution at nucleotide position 896. The isoleucine at codon 299 is replaced by threonine, an amino acid with similar properties. This amino acid position is highly conserved in available vertebrate species. In addition, this alteration is predicted to be deleterious by in silico analysis. Since supporting evidence is limited at this time, the clinical significance of this alteration remains unclear.